The following is an entry in ClinVar:

ClinVar aggregate classification (germline): Benign. Review status: criteria provided, multiple submitters, no conflicts (2 of 4 stars). 3 submissions from 3 submitters: Benign (2). 1 of the submissions does not count toward it. Last evaluated 2021-03-12.

Conditions:
GNAI1-related disorder.

Allele frequency attached by ClinVar (database versions not stated): ESP Exome Variant Server 0.07828; TOPMed 0.08327; gnomAD 0.08788 and 0.09225; 1000 Genomes Project 30x 0.10275; 1000 Genomes Project 0.10643; gnomAD exomes 0.10826 and 0.11012; ExAC 0.11367.
gnomAD v4.1: 168,245 of 1,579,914 alleles (11%); highest among the groups gnomAD compares: South Asian, 18%; 9,909 homozygotes.

Submissions (3):

GeneDx
Classification: Benign. Last evaluated: 2021-03-12. Review status: criteria provided, single submitter. Criteria: GeneDx Variant Classification Process June 2021. Collection method: clinical testing. Allele origin: germline. Affected: yes.

Breakthrough Genomics
Classification: Benign. Review status: criteria provided, single submitter. Criteria: ACMG Guidelines, 2015. Collection method: not provided. Allele origin: germline. Inheritance: Autosomal dominant inheritance. Affected: yes.

PreventionGenetics, part of Exact Sciences
Classification: Benign for GNAI1-related condition. Last evaluated: 2019-10-31. Review status: no assertion criteria provided. Collection method: clinical testing. Allele origin: germline. Not counted in ClinVar's aggregate classification.
Comment: This variant is classified as benign based on ACMG/AMP sequence variant interpretation guidelines (Richards et al. 2015 PMID: 25741868, with internal and published modifications).

NM_002069.6(GNAI1):c.846T>C (p.Pro282=)

Gene: GNAI1 (G protein subunit alpha i1; plus strand). Cytogenetic location: 7q21.11.
Variant type: single nucleotide variant.
Coding change: c.846T>C on transcript NM_002069.6 (MANE Select); coding-DNA position 846, T replaced by C.
Protein change: p.Pro282=; no amino-acid change (proline 282 retained).
Molecular consequence: synonymous variant.
Genome position (GRCh38, 1-based): chr7:80,212,841, T>C. VCF-style: chr7-80212841-T-C. GRCh37 (hg19) VCF-style: chr7-79842157-T-C.
Other names: c.690T>C, p.Pro230= (NM_001256414.2).
Identifiers: ClinVar variation 1268914 (VCV001268914.4), dbSNP rs10241877, ClinGen allele CA4314626.